The following is an entry in ClinVar:

NM_017436.7(A4GALT):c.79G>A (p.Gly27Ser)

Gene: A4GALT (alpha 1,4-galactosyltransferase (P1PK blood group); minus strand). Cytogenetic location: 22q13.2.
Variant type: single nucleotide variant.
Coding change: c.79G>A on transcript NM_017436.7 (MANE Select); coding-DNA position 79, G replaced by A.
Protein change: p.Gly27Ser; replaces glycine 27 with serine.
Molecular consequence: missense variant.
Genome position (GRCh38, 1-based): chr22:42,693,873, C>T on the plus strand (G>A on the coding strand, the complement: A4GALT is on the minus strand). VCF-style: chr22-42693873-C-T. GRCh37 (hg19) VCF-style: chr22-43089879-C-T.
Other names: c.79G>A, p.Gly27Ser (NM_001318038.3); short protein forms G27S.
Identifiers: ClinVar variation 2418322 (VCV002418322.6), dbSNP rs780487343, ClinGen allele CA10270393.

ClinVar aggregate classification (germline): Uncertain significance (1 of 4 stars; one submission).

Allele frequency attached by ClinVar (database versions not stated): ExAC 0.00002; gnomAD exomes 0.00002; TOPMed 0.00003.
gnomAD v4.1: 27 of 1,610,550 alleles (0.0017%); highest among the groups gnomAD compares: Admixed American, 0.032%; no homozygotes.

Submission:

Labcorp Genetics (formerly Invitae), Labcorp
Classification: Uncertain significance. Last evaluated: 2022-03-23. Review status: criteria provided, single submitter. Criteria: Invitae Variant Classification Sherloc (09022015). Collection method: clinical testing. Allele origin: germline.
Comment: This variant is present in population databases (rs780487343, gnomAD 0.04%). This sequence change replaces glycine, which is neutral and non-polar, with serine, which is neutral and polar, at codon 27 of the A4GALT protein (p.Gly27Ser). This variant has not been reported in the literature in individuals affected with A4GALT-related conditions. In summary, the available evidence is currently insufficient to determine the role of this variant in disease. Therefore, it has been classified as a Variant of Uncertain Significance. Algorithms developed to predict the effect of missense changes on protein structure and function output the following: SIFT: "Not Available"; PolyPhen-2: "Benign"; Align-GVGD: "Not Available". The serine amino acid residue is found in multiple mammalian species, which suggests that this missense change does not adversely affect protein function.